The following is an entry in ClinVar:

ClinVar aggregate classification (germline): Uncertain significance (1 of 4 stars; one submission).

Conditions:
Inborn genetic diseases. Identifiers: MedGen C0950123, MeSH D030342.

Allele frequency attached by ClinVar (database versions not stated): ExAC 0.00001.
gnomAD v4.1: 6 of 1,613,332 alleles (0.00037%); highest among the groups gnomAD compares: South Asian, 0.0011%; no homozygotes.

Submission:

Ambry Genetics
Classification: Uncertain significance for Inborn genetic diseases. Last evaluated: 2024-04-08. Review status: criteria provided, single submitter. Criteria: Ambry Variant Classification Scheme 2023. Collection method: clinical testing. Allele origin: germline.
Comment: The p.R1735Q variant (also known as c.5204G>A), located in coding exon 36 of the LRRK2 gene, results from a G to A substitution at nucleotide position 5204. The arginine at codon 1735 is replaced by glutamine, an amino acid with highly similar properties. This amino acid position is conserved. In addition, this alteration is predicted to be deleterious by in silico analysis. Since supporting evidence is limited at this time, the clinical significance of this alteration remains unclear.

NM_198578.4(LRRK2):c.5204G>A (p.Arg1735Gln)

Gene: LRRK2 (leucine rich repeat kinase 2; plus strand). Cytogenetic location: 12q12.
Variant type: single nucleotide variant.
Coding change: c.5204G>A on transcript NM_198578.4 (MANE Select); coding-DNA position 5204, G replaced by A.
Protein change: p.Arg1735Gln; replaces arginine 1735 with glutamine.
Molecular consequence: missense variant.
Genome position (GRCh38, 1-based): chr12:40,322,068, G>A. VCF-style: chr12-40322068-G-A. GRCh37 (hg19) VCF-style: chr12-40715870-G-A.
Other names: short protein forms R1735Q.
Identifiers: ClinVar variation 1746055 (VCV001746055.3), dbSNP rs779100383, ClinGen allele CA6514395.
Genomic context (GRCh38, chr12:40,322,068, plus strand): 5'-TTAATAATTAATGGCTCCATTTTTTAGAACGAGCACTTCGCCCAAACAGAATGTATTGGC[G>A]ACAAGGCATTTACTTAAATTGGTCTCCTGAAGCTTATTGTCTGGTAGGATCTGAAGTCTT-3'
Protein context (NP_940980.4, residues 1725-1745): RALRPNRMYW[Arg1735Gln]QGIYLNWSPE